The following is an entry in ClinVar:

ClinVar aggregate classification (germline): Likely benign (1 of 4 stars; one submission).

Submission:

CeGaT Center for Human Genetics Tuebingen
Classification: Likely benign. Last evaluated: 2026-07-01. Review status: criteria provided, single submitter. Criteria: CeGaT Center For Human Genetics Tuebingen Variant Classification Criteria Version 2. Collection method: clinical testing. Allele origin: germline. Affected: yes. Observed: 1 variant allele.
Comment: TTN: PM2:Supporting, BP4, BP7

NM_001267550.2(TTN):c.32988T>C (p.Asp10996=)

Gene: TTN (titin; minus strand). Cytogenetic location: 2q31.2.
Variant type: single nucleotide variant.
Coding change: c.32988T>C on transcript NM_001267550.2 (MANE Select); coding-DNA position 32988, T replaced by C.
Protein change: p.Asp10996=; no amino-acid change (aspartic acid 10996 retained).
Molecular consequence: synonymous variant. On other transcripts: intron variant (3).
Genome position (GRCh38, 1-based): chr2:178,682,803, A>G on the plus strand (T>C on the coding strand, the complement: TTN is on the minus strand). VCF-style: chr2-178682803-A-G. GRCh37 (hg19) VCF-style: chr2-179547530-A-G.
Other names: c.32037T>C, p.Asp10679= (NM_001256850.1); c.29256T>C, p.Asp9752= (NM_133378.4); c.13283-40486T>C (NM_003319.4); c.13859-40486T>C (NM_133437.4); c.13658-40486T>C (NM_133432.3).
Identifiers: ClinVar variation 5039651 (VCV005039651.1).